The following is an entry in ClinVar:

NM_000051.4(ATM):c.1971T>C (p.Phe657=)

Gene: ATM (ATM serine/threonine kinase; plus strand). Cytogenetic location: 11q22.3.
Variant type: single nucleotide variant.
Coding change: c.1971T>C on transcript NM_000051.4 (MANE Select); coding-DNA position 1971, T replaced by C.
Protein change: p.Phe657=; no amino-acid change (phenylalanine 657 retained).
Molecular consequence: synonymous variant.
Genome position (GRCh38, 1-based): chr11:108,253,886, T>C. VCF-style: chr11-108253886-T-C. GRCh37 (hg19) VCF-style: chr11-108124613-T-C.
Other names: c.1971T>C, p.Phe657= (NM_001351834.2).
Identifiers: ClinVar variation 3254520 (VCV003254520.1), dbSNP rs1555073215.

ClinVar aggregate classification (germline): Benign (1 of 4 stars; one submission).

Conditions:
Familial cancer of breast. Also called: BREAST CANCER, FAMILIAL; Hereditary breast cancer; hereditary breast carcinoma. Identifiers: Orphanet 227535, MedGen C0346153, MONDO:0016419, OMIM 114480. Disease mechanism: loss of function.

Submission:

Myriad Genetics, Inc.
Classification: Benign for Familial cancer of breast. Last evaluated: 2024-05-02. Review status: criteria provided, single submitter. Criteria: Myriad Autosomal Dominant, Autosomal Recessive and X-Linked Classification Criteria (2023). Collection method: clinical testing. Allele origin: unknown.
Comment: This variant is considered benign. This variant is a silent/synonymous amino acid change and it is not expected to impact splicing.